The following is an entry in ClinVar:

ClinVar aggregate classification (germline): Likely benign (1 of 4 stars; one submission).

gnomAD v4.1: 983 of 1,614,122 alleles (0.061%); highest among the groups gnomAD compares: South Asian, 0.23%; 3 homozygotes.

Submission:

CeGaT Center for Human Genetics Tuebingen
Classification: Likely benign. Last evaluated: 2024-10-01. Review status: criteria provided, single submitter. Criteria: CeGaT Center For Human Genetics Tuebingen Variant Classification Criteria Version 2. Collection method: clinical testing. Allele origin: germline. Affected: yes. Observed: 1 variant allele.
Comment: ASTN1: BP4, BS2

NM_004319.3(ASTN1):c.3819G>C (p.Arg1273Ser)

Gene: ASTN1 (astrotactin 1; minus strand). Cytogenetic location: 1q25.2.
Variant type: single nucleotide variant.
Coding change: c.3819G>C on transcript NM_004319.3 (MANE Select); coding-DNA position 3819, G replaced by C.
Protein change: p.Arg1273Ser; replaces arginine 1273 with serine.
Molecular consequence: missense variant. On other transcripts: intron variant (1).
Genome position (GRCh38, 1-based): chr1:176,864,350, C>G on the plus strand (G>C on the coding strand, the complement: ASTN1 is on the minus strand). VCF-style: chr1-176864350-C-G. GRCh37 (hg19) VCF-style: chr1-176833486-C-G.
Other names: c.3647+4494G>C (NM_001286164.2); c.3843G>C, p.Arg1281Ser (NM_001364856.2); short protein forms R1273S, R1281S.
Identifiers: ClinVar variation 3388027 (VCV003388027.14).
Genomic context (GRCh38, chr1:176,864,350, plus strand): 5'-CTCTTTGCTGTCCCCATAGTCGTTGTAGGGGATACTCAGGGTCTGCTCCTCACACGTCTT[C>G]CTGAGGTCCCGGCTGAGCTCCGCCCAGTCAAGTCCGTAGGGTTTGATCTCGCTGTAGCGG-3'
Protein context (NP_004310.1, residues 1263-1283): LDWAELSRDL[Arg1273Ser]KTCEEQTLSI